The following is an entry in ClinVar:

ClinVar aggregate classification (germline): Uncertain significance (1 of 4 stars; one submission).

Conditions:
Deficiency of adenosine deaminase 2. Also called: Adenosine Deaminase 2 Deficiency; VASCULITIS, AUTOINFLAMMATION, IMMUNODEFICIENCY, AND HEMATOLOGIC DEFECTS SYNDROME; Polyarteritis nodosa, childhoood-onset. Identifiers: Orphanet 404553, MedGen C3887654, MONDO:0014306, OMIM 615688, MONDO:0100317.

Submission:

Labcorp Genetics (formerly Invitae), Labcorp
Classification: Uncertain significance for Deficiency of adenosine deaminase 2. Last evaluated: 2022-07-15. Review status: criteria provided, single submitter. Criteria: Invitae Variant Classification Sherloc (09022015). Collection method: clinical testing. Allele origin: germline.
Comment: This sequence change replaces histidine, which is basic and polar, with proline, which is neutral and non-polar, at codon 327 of the ADA2 protein (p.His327Pro). This variant is not present in population databases (gnomAD no frequency). This variant has not been reported in the literature in individuals affected with ADA2-related conditions. Algorithms developed to predict the effect of missense changes on protein structure and function (SIFT, PolyPhen-2, Align-GVGD) all suggest that this variant is likely to be tolerated. In summary, the available evidence is currently insufficient to determine the role of this variant in disease. Therefore, it has been classified as a Variant of Uncertain Significance.

NM_001282225.2(ADA2):c.980A>C (p.His327Pro)

Gene: ADA2 (adenosine deaminase 2; minus strand). Cytogenetic location: 22q11.1.
Variant type: single nucleotide variant.
Coding change: c.980A>C on transcript NM_001282225.2 (MANE Select); coding-DNA position 980, A replaced by C.
Protein change: p.His327Pro; replaces histidine 327 with proline.
Molecular consequence: missense variant.
Genome position (GRCh38, 1-based): chr22:17,188,440, T>G on the plus strand (A>C on the coding strand, the complement: ADA2 is on the minus strand). VCF-style: chr22-17188440-T-G. GRCh37 (hg19) VCF-style: chr22-17669330-T-G.
Other names: c.980A>C, p.His327Pro (NM_001282226.2); c.854A>C, p.His285Pro (NM_001282227.2, NM_001282228.2); c.620A>C, p.His207Pro (NM_001282229.2); c.257A>C, p.His86Pro (NM_177405.3); short protein forms H327P, H207P, H285P, H86P.
Identifiers: ClinVar variation 2108924 (VCV002108924.4), dbSNP rs2517294709, ClinGen allele CA410233560.
Genomic context (GRCh38, chr22:17,188,440, plus strand): 5'-TCCTTGGCGGGGATCATCAGAGCTTCCTTGTAGTCATGCAAGGAGTGGCCAGTGTCCTCA[T>G]GCCCCACCTGCAGGACAGAGAGGGACAGGGAGGTGTCTGCAGGGCGCATGCCTCACTTGC-3'
Protein context (NP_001269154.1, residues 317-337): TVVAGFDLVG[His327Pro]EDTGHSLHDY